The following is an entry in ClinVar:

ClinVar aggregate classification (germline): Likely benign (1 of 4 stars; one submission).

gnomAD v4.1: 5 of 1,600,912 alleles (0.00031%); highest among the groups gnomAD compares: Admixed American, 0.0018%; no homozygotes.

Submission:

CeGaT Center for Human Genetics Tuebingen
Classification: Likely benign. Last evaluated: 2022-09-01. Review status: criteria provided, single submitter. Criteria: CeGaT Center For Human Genetics Tuebingen Variant Classification Criteria Version 2. Collection method: clinical testing. Allele origin: germline. Affected: yes. Observed: 1 variant allele.
Comment: MYOF: BP4, BP7

NM_013451.4(MYOF):c.3546G>A (p.Leu1182=)

Gene: MYOF (myoferlin; minus strand). Cytogenetic location: 10q23.33.
Variant type: single nucleotide variant.
Coding change: c.3546G>A on transcript NM_013451.4 (MANE Select); coding-DNA position 3546, G replaced by A.
Protein change: p.Leu1182=; no amino-acid change (leucine 1182 retained).
Molecular consequence: synonymous variant.
Genome position (GRCh38, 1-based): chr10:93,351,782, C>T on the plus strand (G>A on the coding strand, the complement: MYOF is on the minus strand). VCF-style: chr10-93351782-C-T. GRCh37 (hg19) VCF-style: chr10-95111539-C-T.
Other names: c.3507G>A, p.Leu1169= (NM_133337.3).
Identifiers: ClinVar variation 1711263 (VCV001711263.30), dbSNP rs774246060, ClinGen allele CA470795530.